The following is an entry in ClinVar:

ClinVar aggregate classification (germline): Uncertain significance (1 of 4 stars; one submission).

Conditions:
Neutral lipid storage myopathy (NLSDM). Also called: NEUTRAL LIPID STORAGE DISEASE WITHOUT ICHTHYOSIS. Identifiers: Orphanet 98908, MedGen C1853136, MONDO:0012545, OMIM 610717.

Submission:

Labcorp Genetics (formerly Invitae), Labcorp
Classification: Uncertain significance for Neutral lipid storage myopathy. Last evaluated: 2019-10-17. Review status: criteria provided, single submitter. Criteria: Invitae Variant Classification Sherloc (09022015). Collection method: clinical testing. Allele origin: germline.
Comment: This sequence change replaces alanine with valine at codon 418 of the PNPLA2 protein (p.Ala418Val). The alanine residue is moderately conserved and there is a small physicochemical difference between alanine and valine. This variant is not present in population databases (ExAC no frequency). This variant has not been reported in the literature in individuals with PNPLA2-related conditions. Algorithms developed to predict the effect of missense changes on protein structure and function output the following: SIFT: "Tolerated"; PolyPhen-2: "Benign"; Align-GVGD: "Class C0". The valine amino acid residue is found in multiple mammalian species, suggesting that this missense change does not adversely affect protein function. These predictions have not been confirmed by published functional studies and their clinical significance is uncertain. Algorithms developed to predict the effect of sequence changes on RNA splicing suggest that this variant may create or strengthen a splice site, but this prediction has not been confirmed by published transcriptional studies. In summary, the available evidence is currently insufficient to determine the role of this variant in disease. Therefore, it has been classified as a Variant of Uncertain Significance.

NM_020376.4(PNPLA2):c.1253C>T (p.Ala418Val)

Gene: PNPLA2 (patatin like domain 2, triacylglycerol lipase; plus strand). Cytogenetic location: 11p15.5.
Variant type: single nucleotide variant.
Coding change: c.1253C>T on transcript NM_020376.4 (MANE Select); coding-DNA position 1253, C replaced by T.
Protein change: p.Ala418Val; replaces alanine 418 with valine.
Molecular consequence: missense variant.
Genome position (GRCh38, 1-based): chr11:824,600, C>T. VCF-style: chr11-824600-C-T. GRCh37 (hg19) VCF-style: chr11-824600-C-T.
Other names: short protein forms A418V.
Identifiers: ClinVar variation 964627 (VCV000964627.9), dbSNP rs1845815619, ClinGen allele CA378984610.